The following is an entry in ClinVar:

ClinVar aggregate classification (germline): Uncertain significance. Review status: criteria provided, multiple submitters, no conflicts (2 of 4 stars). 3 submissions from 3 submitters: Uncertain significance (3). Last evaluated 2025-08-08.

Conditions:
Hereditary nonpolyposis colorectal neoplasms. Identifiers: MedGen C0009405, MeSH D003123.
Hereditary cancer-predisposing syndrome. Also called: Neoplastic Syndromes, Hereditary; Hereditary Cancer Syndrome; Tumor predisposition; Hereditary neoplastic syndrome. Identifiers: Orphanet 140162, MedGen C0027672, MeSH D009386, MONDO:0015356.

Submissions (3):

Ambry Genetics
Classification: Uncertain significance for Hereditary cancer-predisposing syndrome. Last evaluated: 2025-08-08. Review status: criteria provided, single submitter. Criteria: Ambry Variant Classification Scheme 2023. Collection method: clinical testing. Allele origin: germline.
Comment: The p.K824E variant (also known as c.2470A>G), located in coding exon 4 of the MSH6 gene, results from an A to G substitution at nucleotide position 2470. The lysine at codon 824 is replaced by glutamic acid, an amino acid with similar properties. This amino acid position is highly conserved in available vertebrate species. In addition, this alteration is predicted to be deleterious by in silico analysis. Based on the available evidence, the clinical significance of this variant remains unclear.

Labcorp Genetics (formerly Invitae), Labcorp
Classification: Uncertain significance for Hereditary nonpolyposis colorectal neoplasms. Last evaluated: 2020-10-19. Review status: criteria provided, single submitter. Criteria: Invitae Variant Classification Sherloc (09022015). Collection method: clinical testing. Allele origin: germline.
Comment: This variant is not present in population databases (ExAC no frequency). In summary, the available evidence is currently insufficient to determine the role of this variant in disease. Therefore, it has been classified as a Variant of Uncertain Significance. Algorithms developed to predict the effect of missense changes on protein structure and function are either unavailable or do not agree on the potential impact of this missense change (SIFT: "Deleterious"; PolyPhen-2: "Possibly Damaging"; Align-GVGD: "Class C0"). This variant has not been reported in the literature in individuals with MSH6-related conditions. This sequence change replaces lysine with glutamic acid at codon 824 of the MSH6 protein (p.Lys824Glu). The lysine residue is highly conserved and there is a small physicochemical difference between lysine and glutamic acid.

Quest Diagnostics Nichols Institute San Juan Capistrano
Classification: Uncertain significance. Last evaluated: 2020-01-02. Review status: criteria provided, single submitter. Criteria: Quest Diagnostics criteria. Collection method: clinical testing. Allele origin: unknown.

NM_000179.3(MSH6):c.2470A>G (p.Lys824Glu)

Gene: MSH6 (mutS homolog 6; plus strand). Cytogenetic location: 2p16.3.
Variant type: single nucleotide variant.
Coding change: c.2470A>G on transcript NM_000179.3 (MANE Select); coding-DNA position 2470, A replaced by G.
Protein change: p.Lys824Glu; replaces lysine 824 with glutamic acid.
Molecular consequence: missense variant.
Genome position (GRCh38, 1-based): chr2:47,800,453, A>G. VCF-style: chr2-47800453-A-G. GRCh37 (hg19) VCF-style: chr2-48027592-A-G.
Other names: c.2080A>G, p.Lys694Glu (NM_001281492.2); c.1564A>G, p.Lys522Glu (NM_001281493.2, NM_001281494.2); short protein forms K522E, K694E, K824E.
Identifiers: ClinVar variation 993195 (VCV000993195.11), dbSNP rs1669467621, ClinGen allele CA346754121.